The following is an entry in ClinVar:

ClinVar aggregate classification (germline): Uncertain significance (1 of 4 stars; one submission).

Conditions:
Immunodeficiency 23 (IMD23). Also called: IMMUNODEFICIENCY-VASCULITIS-MYOCLONUS SYNDROME; IMMUNODEFICIENCY WITH HYPER IgE AND COGNITIVE IMPAIRMENT. Identifiers: Orphanet 443811, MedGen C4014371, MONDO:0014353, OMIM 615816.

Allele frequency attached by ClinVar (database versions not stated): gnomAD 0.00001; ExAC 0.00002; gnomAD exomes 0.00002; TOPMed 0.00003.
gnomAD v4.1: 28 of 1,613,714 alleles (0.0017%); highest among the groups gnomAD compares: East Asian, 0.0067%; no homozygotes.

Submission:

Labcorp Genetics (formerly Invitae), Labcorp
Classification: Uncertain significance for Immunodeficiency 23. Last evaluated: 2022-07-22. Review status: criteria provided, single submitter. Criteria: Invitae Variant Classification Sherloc (09022015). Collection method: clinical testing. Allele origin: germline.
Comment: This sequence change replaces isoleucine, which is neutral and non-polar, with valine, which is neutral and non-polar, at codon 457 of the PGM3 protein (p.Ile457Val). This variant is present in population databases (rs750802092, gnomAD 0.02%). This variant has not been reported in the literature in individuals affected with PGM3-related conditions. Algorithms developed to predict the effect of missense changes on protein structure and function output the following: SIFT: "Tolerated"; PolyPhen-2: "Benign"; Align-GVGD: "Class C0". The valine amino acid residue is found in multiple mammalian species, which suggests that this missense change does not adversely affect protein function. In summary, the available evidence is currently insufficient to determine the role of this variant in disease. Therefore, it has been classified as a Variant of Uncertain Significance.

NM_015599.3(PGM3):c.1285A>G (p.Ile429Val)

Gene: PGM3 (phosphoglucomutase 3; minus strand). Cytogenetic location: 6q14.1.
Variant type: single nucleotide variant.
Coding change: c.1285A>G on transcript NM_015599.3 (MANE Select); coding-DNA position 1285, A replaced by G.
Protein change: p.Ile429Val; replaces isoleucine 429 with valine.
Molecular consequence: missense variant. On other transcripts: non-coding transcript variant (1), intron variant (1).
Genome position (GRCh38, 1-based): chr6:83,172,017, T>C on the plus strand (A>G on the coding strand, the complement: PGM3 is on the minus strand). VCF-style: chr6-83172017-T-C. GRCh37 (hg19) VCF-style: chr6-83881736-T-C.
Other names: c.1369A>G, p.Ile457Val (NM_001199917.2, NM_001367287.1); c.1042A>G, p.Ile348Val (NM_001199918.2); c.1285A>G, p.Ile429Val (NM_001199919.2); c.1243-1539A>G (NM_001367286.1); short protein forms I348V, I429V, I457V.
Identifiers: ClinVar variation 2182381 (VCV002182381.1), dbSNP rs750802092, ClinGen allele CA3906553.